The following is an entry in ClinVar:

NM_000350.3(ABCA4):c.396del (p.Leu132fs)

Gene: ABCA4 (ATP binding cassette subfamily A member 4; minus strand). Cytogenetic location: 1p22.1.
Variant type: Deletion.
Coding change: c.396del on transcript NM_000350.3 (MANE Select); coding-DNA position 396, one base deleted (G; older notation c.396delG).
Protein change: p.Leu132fs; shifts the reading frame from leucine 132.
Molecular consequence: frameshift variant.
Genome position (GRCh38, 1-based): chr1:94,108,623, C deleted on the plus strand (G on the coding strand, the reverse complement: ABCA4 is on the minus strand). VCF-style (leftmost placement, unchanged base first): chr1-94108622-AC-A. GRCh37 (hg19) VCF-style: chr1-94574178-AC-A.
Other names: NM_000350.3:c.396del; c.396delG, p.Leu132Phefs (NM_001425324.1); short protein forms L132fs.
Identifiers: ClinVar variation 2412707 (VCV002412707.1), dbSNP rs2523999404, ClinGen allele CA2573332434.

ClinVar aggregate classification (germline): Uncertain significance (1 of 4 stars; one submission).

Conditions:
ABCA4-related retinopathy. Also called: ABCA4-related retinoapthy; ABCA4 retinoapthy. Identifiers: MedGen CN322612, MONDO:0800406.

Submission:

Broad Center for Mendelian Genomics, Broad Institute of MIT and Harvard
Classification: Uncertain significance for ABCA4-related retinopathy. Last evaluated: 2023-01-25. Review status: criteria provided, single submitter. Criteria: ACMG Guidelines, 2015. Collection method: curation. Allele origin: germline. Inheritance: Autosomal recessive inheritance.
Comment: The p.Leu132PhefsTer22 variant in ABCA4 has not been previously reported in individuals with autosomal recessive ABCA4-related retinopathy. This variant was absent from large population studies. This variant is predicted to cause a frameshift, which alters the protein‚Äôs amino acid sequence beginning at position 132 and leads to a premature termination codon 22 amino acids downstream. This alteration is then predicted to lead to a truncated or absent protein. Loss of function of the ABCA4 gene is an established disease mechanism in autosomal recessive ABCA4-related retinopathy. In summary, although additional studies are required to fully establish its clinical significance, this variant is likely pathogenic for autosomal recessive ABCA4-related retinopathy. ACMG/AMP Criteria applied: PVS1, PM2_Supporting (Richards 2015).